The following is an entry in ClinVar:

ClinVar aggregate classification (germline): Likely benign (1 of 4 stars; one submission).

Conditions:
VPS13B-related disorder. Also called: VPS13B-related condition.

Submission:

PreventionGenetics, part of Exact Sciences
Classification: Likely benign for VPS13B-related condition. Last evaluated: 2025-11-11. Review status: criteria provided, single submitter. Criteria: ACMG Guidelines, 2015. Collection method: clinical testing. Allele origin: germline.
Comment: This variant is classified as likely benign based on ACMG/AMP sequence variant interpretation guidelines (Richards et al. 2015 PMID: 25741868, with internal and published modifications).

NM_152564.5(VPS13B):c.3446-13T>A

Gene: VPS13B (vacuolar protein sorting 13 homolog B; plus strand). Cytogenetic location: 8q22.2.
Variant type: single nucleotide variant.
Coding change: c.3446-13T>A on transcript NM_152564.5 (MANE Select); 13 bases into the intron before coding-DNA position 3446, T replaced by A.
Molecular consequence: intron variant.
Genome position (GRCh38, 1-based): chr8:99,467,401, T>A. VCF-style: chr8-99467401-T-A. GRCh37 (hg19) VCF-style: chr8-100479629-T-A.
Other names: c.3446-13T>A (NM_017890.5).
Identifiers: ClinVar variation 4991416 (VCV004991416.1).